The following is an entry in ClinVar:

ClinVar aggregate classification (germline): Uncertain significance (1 of 4 stars; one submission).

Submission:

Labcorp Genetics (formerly Invitae), Labcorp
Classification: Uncertain significance. Last evaluated: 2021-08-16. Review status: criteria provided, single submitter. Criteria: Invitae Variant Classification Sherloc (09022015). Collection method: clinical testing. Allele origin: germline.
Comment: This sequence change replaces glycine with arginine at codon 229 of the PLS3 protein (p.Gly229Arg). The glycine residue is highly conserved and there is a moderate physicochemical difference between glycine and arginine. This variant is not present in population databases (ExAC no frequency). In summary, the available evidence is currently insufficient to determine the role of this variant in disease. Therefore, it has been classified as a Variant of Uncertain Significance. Algorithms developed to predict the effect of missense changes on protein structure and function are either unavailable or do not agree on the potential impact of this missense change (SIFT: "Deleterious"; PolyPhen-2: "Probably Damaging"; Align-GVGD: "Class C15"). This missense change has been observed in individual(s) with osteogenesis imperfecta (Invitae).

NM_005032.7(PLS3):c.685G>A (p.Gly229Arg)

Gene: PLS3 (plastin 3; plus strand). Cytogenetic location: Xq23.
Variant type: single nucleotide variant.
Coding change: c.685G>A on transcript NM_005032.7 (MANE Select); coding-DNA position 685, G replaced by A.
Protein change: p.Gly229Arg; replaces glycine 229 with arginine.
Molecular consequence: missense variant.
Genome position (GRCh38, 1-based): chrX:115,634,983, G>A. VCF-style: chrX-115634983-G-A. GRCh37 (hg19) VCF-style: chrX-114869295-G-A.
Other names: c.685G>A, p.Gly229Arg (NM_001136025.5); c.604G>A, p.Gly202Arg (NM_001172335.3); c.619G>A, p.Gly207Arg (NM_001282337.2); c.550G>A, p.Gly184Arg (NM_001282338.2); short protein forms G202R, G207R, G229R, G184R.
Identifiers: ClinVar variation 1368029 (VCV001368029.6), dbSNP rs2147551926, ClinGen allele CA414334092.